The following is an entry in ClinVar:

ClinVar aggregate classification (germline): Likely pathogenic. Review status: criteria provided, multiple submitters, no conflicts (2 of 4 stars). 2 submissions from 2 submitters: Likely pathogenic (2). Last evaluated 2024-10-04.

Conditions:
Severe neurodegenerative syndrome with lipodystrophy. Also called: Encephalopathy, progressive, with or without lipodystrophy; ENCEPHALOPATHY, PROGRESSIVE, WITH LIPODYSTROPHY. Identifiers: Orphanet 363400, MedGen C4014700, MONDO:0014402, OMIM 615924.
Congenital generalized lipodystrophy type 2 (CGL2). Also called: BERARDINELLI SYNDROME; BRUNZELL SYNDROME, BSCL2-RELATED; SEIP SYNDROME; Berardinelli-Seip Congenital Lipodystrophy Type 2. Identifiers: Orphanet 528, Orphanet 696289, MedGen C1720863, MONDO:0010020, OMIM 269700.
Neuronopathy, distal hereditary motor, type 5C. Also called: DHMN VC; NEURONOPATHY, DISTAL HEREDITARY MOTOR, HARDING TYPE VC; NEUROPATHY, DISTAL HEREDITARY MOTOR, HARDING TYPE VC; SPINAL MUSCULAR ATROPHY, DISTAL, HARDING TYPE VC; NEURONOPATHY, DISTAL HEREDITARY MOTOR, AUTOSOMAL DOMINANT 13. Identifiers: MedGen C5436838, MONDO:0030860, OMIM 619112.
Hereditary spastic paraplegia 17. Also called: Silver spastic paraplegia syndrome; SPASTIC PARAPLEGIA WITH AMYOTROPHY OF HANDS AND FEET; Spastic Paraplegia 17; Autosomal dominant spastic paraplegia type 17; Silver Syndrome. Identifiers: Orphanet 100998, MedGen C2931276, MONDO:0010043, OMIM 270685.
Lipodystrophy. Also called: Lipodystrophy (disease). Identifiers: MedGen C0023787, MONDO:0006573, HP:0009125.

Submissions (2):

Dubai Health Genomic Medicine Center, Dubai Health
Classification: Likely pathogenic for Lipodystrophy. Last evaluated: 2024-10-04. Review status: criteria provided, single submitter. Criteria: ACMG Guidelines, 2015. Collection method: research. Allele origin: germline. Affected: yes.
Comment: PVS1,PM2

Fulgent Genetics
Classification: Likely pathogenic for Congenital generalized lipodystrophy type 2; Hereditary spastic paraplegia 17; Severe neurodegenerative syndrome with lipodystrophy; Neuronopathy, distal hereditary motor, type 5C. Last evaluated: 2024-05-11. Review status: criteria provided, single submitter. Criteria: ACMG Guidelines, 2015. Collection method: clinical testing. Allele origin: germline.

NM_001122955.4(BSCL2):c.825dup (p.Ala276fs)

Genes: BSCL2 (BSCL2 lipid droplet biogenesis associated, seipin; minus strand), HNRNPUL2-BSCL2 (HNRNPUL2-BSCL2 readthrough (NMD candidate); minus strand). Cytogenetic location: 11q12.3.
Variant type: Duplication.
Coding change: c.825dup on transcript NM_001122955.4 (MANE Select); coding-DNA position 825, one base duplicated (A; older notation c.825dupA).
Protein change: p.Ala276fs; shifts the reading frame from alanine 276.
Molecular consequence: frameshift variant. On other transcripts: non-coding transcript variant (1).
Genome position (GRCh38, 1-based): chr11:62,692,414, T duplicated on the plus strand (A on the coding strand, the reverse complement: BSCL2 is on the minus strand). VCF-style (leftmost placement, unchanged base first): chr11-62692413-C-CT. GRCh37 (hg19) VCF-style: chr11-62459885-C-CT.
Other names: c.633dup, p.Ala212fs (NM_001130702.2, NM_032667.6); c.825dup, p.Ala276fs (NM_001386027.1, NM_001386028.1); short protein forms A212fs, A276fs.
Identifiers: ClinVar variation 3383977 (VCV003383977.2).